The following is an entry in ClinVar:

ClinVar aggregate classification (germline): Likely benign (1 of 4 stars; one submission).

Conditions:
EMILIN1-related disorder. Also called: EMILIN1-related condition.

gnomAD v4.1: 308 of 1,607,378 alleles (0.019%); highest among the groups gnomAD compares: African/African-American, 0.32%; 1 homozygote.

Submission:

PreventionGenetics, part of Exact Sciences
Classification: Likely benign for EMILIN1-related condition. Last evaluated: 2026-07-08. Review status: criteria provided, single submitter. Criteria: ACMG Guidelines, 2015. Collection method: clinical testing. Allele origin: germline.
Comment: This variant is classified as likely benign based on ACMG/AMP sequence variant interpretation guidelines (Richards et al. 2015 PMID: 25741868, with internal and published modifications).

NM_007046.4(EMILIN1):c.1593G>A (p.Thr531=)

Gene: EMILIN1 (elastin microfibril interfacer 1; plus strand). Cytogenetic location: 2p23.3.
Variant type: single nucleotide variant.
Coding change: c.1593G>A on transcript NM_007046.4 (MANE Select); coding-DNA position 1593, G replaced by A.
Protein change: p.Thr531=; no amino-acid change (threonine 531 retained).
Molecular consequence: synonymous variant.
Genome position (GRCh38, 1-based): chr2:27,083,164, G>A. VCF-style: chr2-27083164-G-A. GRCh37 (hg19) VCF-style: chr2-27306032-G-A.
Identifiers: ClinVar variation 4984662 (VCV004984662.1).
Genomic context (GRCh38, chr2:27,083,164, plus strand): 5'-GCGGCTGGTGGGCTCCGGCCTGCACACGGTGGAAGCAGCGGGGGAGGCCCGGCAGGCCAC[G>A]CTGGAGGGATTACAAGAGGTTGTGGGCCGGCTCCAGGATCGTGTGGATGCCCAGGATGAG-3'
Protein context (NP_008977.1, residues 521-541): VEAAGEARQA[Thr531=]LEGLQEVVGR